The following is an entry in ClinVar:

NM_000340.2(SLC2A2):c.1029T>C (p.Ile343=)

Gene: SLC2A2 (solute carrier family 2 member 2; minus strand). Cytogenetic location: 3q26.2.
Variant type: single nucleotide variant.
Coding change: c.1029T>C on transcript NM_000340.2 (MANE Select); coding-DNA position 1029, T replaced by C.
Protein change: p.Ile343=; no amino-acid change (isoleucine 343 retained).
Molecular consequence: synonymous variant.
Genome position (GRCh38, 1-based): chr3:171,002,615, A>G on the plus strand (T>C on the coding strand, the complement: SLC2A2 is on the minus strand). VCF-style: chr3-171002615-A-G. GRCh37 (hg19) VCF-style: chr3-170720404-A-G.
Other names: c.672T>C, p.Ile224= (NM_001278658.2); c.510T>C, p.Ile170= (NM_001278659.2).
Identifiers: ClinVar variation 3053470 (VCV003053470.2), dbSNP rs2473889850, ClinGen allele CA436774376.

ClinVar aggregate classification (germline): Likely benign (0 of 4 stars; one submission).

Conditions:
SLC2A2-related disorder. Also called: SLC2A2-related condition.

Submission:

PreventionGenetics, part of Exact Sciences
Classification: Likely benign for SLC2A2-related condition. Last evaluated: 2022-03-30. Review status: no assertion criteria provided. Collection method: clinical testing. Allele origin: germline.
Comment: This variant is classified as likely benign based on ACMG/AMP sequence variant interpretation guidelines (Richards et al. 2015 PMID: 25741868, with internal and published modifications).